The following is an entry in ClinVar:

ClinVar aggregate classification (germline): Benign/Likely benign. Review status: criteria provided, multiple submitters, no conflicts (2 of 4 stars). 4 submissions from 3 submitters: Benign (2); Likely benign (2). Last evaluated 2018-01-12.

Conditions:
Familial hyperinsulinism. Also called: Congenital hyperinsulinism. Identifiers: Orphanet 276525, MedGen C3888018, MONDO:0017182. Disease mechanism: loss of function.
Maturity-onset diabetes of the young type 1. Also called: MILD JUVENILE DIABETES MELLITUS; MODY, type I; MODY type 1; Diabetes mellitus MODY type 1; MODY HNF4A related; HNF4A-Related Maturity-Onset Diabetes of the Young Type 1. Identifiers: Orphanet 552, MedGen C1852093, MONDO:0007452, OMIM 125850. Disease mechanism: loss of function.
Maturity-onset diabetes of the young (MODY). Also called: Maturity onset diabetes mellitus in young. Identifiers: Orphanet 552, MedGen C0342276, MONDO:0018911, HP:0004904.

Allele frequency attached by ClinVar (database versions not stated): gnomAD exomes 0.00171; gnomAD 0.00267; 1000 Genomes Project 0.00419; 1000 Genomes Project 30x 0.00437; TOPMed 0.00554.

Submissions (4):

Illumina Laboratory Services, Illumina
Classification: Benign for Maturity-onset diabetes of the young type 1. Last evaluated: 2018-01-12. Review status: criteria provided, single submitter. Criteria: ICSL Variant Classification Criteria 13 December 2019. Collection method: clinical testing. Allele origin: germline.
Comment: This variant was observed in the ICSL laboratory as part of a predisposition screen in an ostensibly healthy population. It had not been previously curated by ICSL or reported in the Human Gene Mutation Database (HGMD: prior to June 1st, 2018), and was therefore a candidate for classification through an automated scoring system. Utilizing variant allele frequency, disease prevalence and penetrance estimates, and inheritance mode, an automated score was calculated to assess if this variant is too frequent to cause the disease. Based on the score and internal cut-off values, a variant classified as benign is not then subjected to further curation. The score for this variant resulted in a classification of benign for this disease.

Illumina Laboratory Services, Illumina
Classification: Likely benign for Familial hyperinsulinism. Last evaluated: 2018-01-12. Review status: criteria provided, single submitter. Criteria: ICSL Variant Classification Criteria 13 December 2019. Collection method: clinical testing. Allele origin: germline.
Comment: This variant was observed in the ICSL laboratory as part of a predisposition screen in an ostensibly healthy population. It had not been previously curated by ICSL or reported in the Human Gene Mutation Database (HGMD: prior to June 1st, 2018), and was therefore a candidate for classification through an automated scoring system. Utilizing variant allele frequency, disease prevalence and penetrance estimates, and inheritance mode, an automated score was calculated to assess if this variant is too frequent to cause the disease. Based on the score and internal cut-off values, a variant classified as likely benign is not then subjected to further curation. The score for this variant resulted in a classification of likely benign for this disease.

Breakthrough Genomics
Classification: Likely benign. Review status: criteria provided, single submitter. Criteria: ACMG Guidelines, 2015. Collection method: not provided. Allele origin: germline. Inheritance: Autosomal dominant inheritance. Affected: yes.

Clinical Genomics, Uppaluri K&H Personalized Medicine Clinic
Classification: Benign for Maturity-onset diabetes of the young. Review status: criteria provided, single submitter. Criteria: K & H Uppaluri Personalized Medicine Clinic Variant Classification & Assertion Criteria_Updated V.1. Collection method: research. Allele origin: unknown. Inheritance: Autosomal dominant inheritance.
Comment: Potent mutations in HNF4A are associated with poor insulin secretion in response to hyperglycemia. Associated with MODY1. Patients initially respond well to sulfonylureas but eventually become insulin dependent. However, more evidence is required to ascertain the role of this particular variant rs190373692 in MODY, yet.

Literature cited by the submitters: DOI 10.1159/000334532 (cited by Clinical Genomics, Uppaluri K&H Personalized Medicine Clinic); PubMed 18268044 (cited by Clinical Genomics, Uppaluri K&H Personalized Medicine Clinic); PubMed 17563455 (cited by Clinical Genomics, Uppaluri K&H Personalized Medicine Clinic); PubMed 32583173 (cited by Clinical Genomics, Uppaluri K&H Personalized Medicine Clinic); PubMed 35052457 (cited by Clinical Genomics, Uppaluri K&H Personalized Medicine Clinic); PubMed 35118593 (cited by Clinical Genomics, Uppaluri K&H Personalized Medicine Clinic).

NM_175914.5(HNF4A):c.*393G>A

Gene: HNF4A (hepatocyte nuclear factor 4 alpha; plus strand). Cytogenetic location: 20q13.12.
Variant type: single nucleotide variant.
Coding change: c.*393G>A on transcript NM_175914.5 (MANE Select); 393 bases downstream of the stop codon, G replaced by A.
Molecular consequence: 3 prime UTR variant.
Genome position (GRCh38, 1-based): chr20:44,430,058, G>A. VCF-style: chr20-44430058-G-A. GRCh37 (hg19) VCF-style: chr20-43058698-G-A.
Other names: c.*393G>A (NM_000457.6, NM_001287183.2, NM_178849.3 and 3 more transcripts).
Identifiers: ClinVar variation 338441 (VCV000338441.7), dbSNP rs190373692, ClinGen allele CA10653121.